The following is an entry in ClinVar:

NM_000051.4(ATM):c.7516-1G>C

Genes: ATM (ATM serine/threonine kinase; plus strand), C11orf65 (chromosome 11 open reading frame 65; minus strand). Cytogenetic location: 11q22.3.
Variant type: single nucleotide variant.
Coding change: c.7516-1G>C on transcript NM_000051.4 (MANE Select); the canonical splice acceptor site of the intron before coding-DNA position 7516, G replaced by C.
Molecular consequence: splice acceptor variant. On other transcripts: non-coding transcript variant (1), intron variant (2).
Genome position (GRCh38, 1-based): chr11:108,331,443, G>C. VCF-style: chr11-108331443-G-C. GRCh37 (hg19) VCF-style: chr11-108202170-G-C.
Other names: c.7516-1G>C (NM_001351834.2); c.641-22372C>G (NM_001330368.2); c.*38+3777C>G (NM_001351110.2).
Identifiers: ClinVar variation 1759298 (VCV001759298.6), dbSNP rs2136490774, ClinGen allele CA382560629.

ClinVar aggregate classification (germline): Likely pathogenic. Review status: criteria provided, multiple submitters, no conflicts (2 of 4 stars). 2 submissions from 2 submitters: Likely pathogenic (2). Last evaluated 2025-11-19.

Conditions:
Hereditary cancer-predisposing syndrome. Also called: Hereditary neoplastic syndrome; Neoplastic Syndromes, Hereditary; Tumor predisposition; Hereditary Cancer Syndrome. Identifiers: Orphanet 140162, MedGen C0027672, MeSH D009386, MONDO:0015356.
Ataxia-telangiectasia syndrome (AT). Also called: Ataxia telangiectasia (A-T); LOUIS-BAR SYNDROME; Cerebello-oculocutaneous telangiectasia; Immunodeficiency with ataxia telangiectasia; Ataxia-telangiectasia, complementation group D; AT, COMPLEMENTATION GROUP C. Identifiers: Orphanet 100, MedGen C0004135, MONDO:0008840, OMIM 208900.

Submissions (2):

Ambry Genetics
Classification: Likely pathogenic for Hereditary cancer-predisposing syndrome. Last evaluated: 2025-11-19. Review status: criteria provided, single submitter. Criteria: Ambry Variant Classification Scheme 2023. Collection method: clinical testing. Allele origin: germline.
Comment: The c.7516-1G>C intronic variant results from a G to C substitution one nucleotide upstream from coding exon 50 of the ATM gene. This nucleotide position is highly conserved in available vertebrate species. In silico splice site analysis predicts that this alteration will weaken the native splice acceptor site and will result in the creation or strengthening of a novel splice acceptor site. Alterations that disrupt the canonical splice site are expected to cause aberrant splicing, resulting in an abnormal protein or a transcript that is subject to nonsense-mediated mRNA decay. RNA studies have demonstrated that this alteration results in abnormal splicing in the set of samples tested (Ambry internal data). Based on the majority of available evidence to date, this variant is likely to be pathogenic.

Labcorp Genetics (formerly Invitae), Labcorp
Classification: Likely pathogenic for Ataxia-telangiectasia syndrome. Last evaluated: 2022-04-30. Review status: criteria provided, single submitter. Criteria: Invitae Variant Classification Sherloc (09022015). Collection method: clinical testing. Allele origin: germline.
Comment: In summary, the currently available evidence indicates that the variant is pathogenic, but additional data are needed to prove that conclusively. Therefore, this variant has been classified as Likely Pathogenic. Algorithms developed to predict the effect of sequence changes on RNA splicing suggest that this variant may disrupt the consensus splice site. Disruption of this splice site has been observed in individual(s) with cerebellar ataxia (PMID: 31429931). This variant is not present in population databases (gnomAD no frequency). This sequence change affects an acceptor splice site in intron 50 of the ATM gene. It is expected to disrupt RNA splicing. Variants that disrupt the donor or acceptor splice site typically lead to a loss of protein function (PMID: 16199547), and loss-of-function variants in ATM are known to be pathogenic (PMID: 23807571, 25614872).

Literature cited by the submitters: PubMed 31429931 (cited by Labcorp Genetics (formerly Invitae), Labcorp); PubMed 16199547 (cited by Labcorp Genetics (formerly Invitae), Labcorp); PubMed 23807571 (cited by Labcorp Genetics (formerly Invitae), Labcorp); PubMed 25614872 (cited by Labcorp Genetics (formerly Invitae), Labcorp).